The following is an entry in ClinVar:

ClinVar aggregate classification (germline): Uncertain significance. Review status: criteria provided, single submitter (1 of 4 stars). 2 submissions from 2 submitters: Uncertain significance (1). 1 of the submissions does not count toward it. Last evaluated 2022-07-05.

Conditions:
ischemic cerebrovascular diesease.

Allele frequency attached by ClinVar (database versions not stated): gnomAD 0.00001; ExAC 0.00002; gnomAD exomes 0.00002.
gnomAD v4.1: 25 of 1,610,928 alleles (0.0016%); highest among the groups gnomAD compares: Non-Finnish European, 0.0021%; no homozygotes.

Submissions (2):

Labcorp Genetics (formerly Invitae), Labcorp
Classification: Uncertain significance. Last evaluated: 2022-07-05. Review status: criteria provided, single submitter. Criteria: Invitae Variant Classification Sherloc (09022015). Collection method: clinical testing. Allele origin: germline.
Comment: This sequence change replaces glycine, which is neutral and non-polar, with glutamic acid, which is acidic and polar, at codon 429 of the PRKN protein (p.Gly429Glu). This variant is present in population databases (rs760223151, gnomAD 0.004%). This variant has not been reported in the literature in individuals affected with PRKN-related conditions. Algorithms developed to predict the effect of missense changes on protein structure and function are either unavailable or do not agree on the potential impact of this missense change (SIFT: "Deleterious"; PolyPhen-2: "Probably Damaging"; Align-GVGD: "Class C0"). Algorithms developed to predict the effect of sequence changes on RNA splicing suggest that this variant may create or strengthen a splice site. In summary, the available evidence is currently insufficient to determine the role of this variant in disease. Therefore, it has been classified as a Variant of Uncertain Significance.

Institute of Neurology, Charite University of Medicine
Classification: Likely pathogenic for ischemic cerebrovascular diesease. Last evaluated: 2025-07-10. Review status: no assertion criteria provided. Collection method: provider interpretation. Allele origin: germline. Affected: yes. Observed: 1 variant allele. Not counted in ClinVar's aggregate classification.
Comment: Coding variants in PRKN have been reported in Parkinson's disease. The variant has been classsified as 'likely pathogenic' based on the ACMG classification.

NM_004562.3(PRKN):c.1286G>A (p.Gly429Glu)

Gene: PRKN (parkin RBR E3 ubiquitin protein ligase; minus strand). Cytogenetic location: 6q26.
Variant type: single nucleotide variant.
Coding change: c.1286G>A on transcript NM_004562.3 (MANE Select); coding-DNA position 1286, G replaced by A.
Protein change: p.Gly429Glu; replaces glycine 429 with glutamic acid.
Molecular consequence: missense variant.
Genome position (GRCh38, 1-based): chr6:161,350,211, C>T on the plus strand (G>A on the coding strand, the complement: PRKN is on the minus strand). VCF-style: chr6-161350211-C-T. GRCh37 (hg19) VCF-style: chr6-161771243-C-T.
Other names: c.1286G>A (NM_004562.2); c.1202G>A, p.Gly401Glu (NM_013987.3); c.839G>A, p.Gly280Glu (NM_013988.3); short protein forms G401E, G280E, G429E.
Identifiers: ClinVar variation 1924653 (VCV001924653.5), dbSNP rs760223151, ClinGen allele CA4089946.
Genomic context (GRCh38, chr6:161,350,211, plus strand): 5'-CAGTTCCAGCACCACTCGAGCCTGCACTGGGGCTGCGGACACTTCATGTGCATGCAGCCT[C>T]CTGTTGGGGGCAGAAAACAAAGGTGTGGTGGGTTCGCAGCAAGTACCTGGAAAACACGCA-3'
Protein context (NP_004553.2, residues 419-439): PRCHVPVEKN[Gly429Glu]GCMHMKCPQP